The following is an entry in ClinVar:

ClinVar aggregate classification (germline): Benign. Review status: criteria provided, multiple submitters, no conflicts (2 of 4 stars). 2 submissions from 2 submitters: Benign (2). Last evaluated 2016-03-29.

Allele frequency attached by ClinVar (database versions not stated): gnomAD exomes 0.20303 and 0.18434; ExAC 0.20526; gnomAD 0.22068 and 0.22211; TOPMed 0.22486; 1000 Genomes Project 0.24022; 1000 Genomes Project 30x 0.24313.

Submissions (2):

Laboratory for Molecular Medicine, Mass General Brigham Personalized Medicine
Classification: Benign. Last evaluated: 2016-03-29. Review status: criteria provided, single submitter. Criteria: LMM Criteria. Collection method: clinical testing. Allele origin: germline.
Comment: Variant identified in a genome or exome case(s) and assessed due to predicted null impact of the variant or pathogenic assertions in the literature or databases. Disclaimer: This variant has not undergone full assessment. The following are preliminary notes: MAF

Breakthrough Genomics
Classification: Benign. Review status: criteria provided, single submitter. Criteria: ACMG Guidelines, 2015. Collection method: not provided. Allele origin: germline. Inheritance: Unknown mechanism. Affected: yes.

NM_001288962.2(TRIP10):c.*57A>G

Gene: TRIP10 (thyroid hormone receptor interactor 10; plus strand). Cytogenetic location: 19p13.3.
Variant type: single nucleotide variant.
Coding change: c.*57A>G on transcript NM_001288962.2 (MANE Select); 57 bases downstream of the stop codon, A replaced by G.
Molecular consequence: 3 prime UTR variant. On other transcripts: missense variant (1), non-coding transcript variant (1).
Genome position (GRCh38, 1-based): chr19:6,751,268, A>G. VCF-style: chr19-6751268-A-G. GRCh37 (hg19) VCF-style: chr19-6751279-A-G.
Other names: c.1724A>G, p.Glu575Gly (NM_001288963.3); c.*57A>G (NM_004240.4); short protein forms E575G.
Identifiers: ClinVar variation 403567 (VCV000403567.5), dbSNP rs1049229, ClinGen allele CA9131535.
Genomic context (GRCh38, chr19:6,751,268, plus strand): 5'-TTGAACCCTGCCAGAGACGGGAAGAGGGGGGCTGTCGGCTGCTGCTTCTGGGCCACGGGG[A>G]GCCCCAGGACCTATGCACTTTATTTCTGACCCCGTGGCTTCGGCTGAGACCTGTGTAACC-3'